The following is an entry in ClinVar:

ClinVar aggregate classification (germline): Uncertain significance (1 of 4 stars; one submission).

Conditions:
Neuroblastoma, susceptibility to, 3. Also called: ALK-Related Neuroblastic Tumor Susceptibility. Identifiers: Orphanet 635, MedGen C2751681, MONDO:0013083, OMIM 613014.

gnomAD v4.1: 2 of 1,614,276 alleles (0.00012%); highest among the groups gnomAD compares: Non-Finnish European, 0.00017%; no homozygotes.

Submission:

Labcorp Genetics (formerly Invitae), Labcorp
Classification: Uncertain significance for Neuroblastoma, susceptibility to, 3. Last evaluated: 2018-12-28. Review status: criteria provided, single submitter. Criteria: Invitae Variant Classification Sherloc (09022015). Collection method: clinical testing. Allele origin: germline.
Comment: This sequence change replaces arginine with lysine at codon 860 of the ALK protein (p.Arg860Lys). The arginine residue is highly conserved and there is a small physicochemical difference between arginine and lysine. This variant is not present in population databases (ExAC no frequency). This variant has not been reported in the literature in individuals with ALK-related conditions. Algorithms developed to predict the effect of missense changes on protein structure and function output the following: SIFT: "Deleterious"; PolyPhen-2: "Benign"; Align-GVGD: "Class C25". The lysine amino acid residue is found in multiple mammalian species, suggesting that this missense change does not adversely affect protein function. These predictions have not been confirmed by published functional studies and their clinical significance is uncertain. In summary, the available evidence is currently insufficient to determine the role of this variant in disease. Therefore, it has been classified as a Variant of Uncertain Significance.

NM_004304.5(ALK):c.2579G>A (p.Arg860Lys)

Gene: ALK (ALK receptor tyrosine kinase; minus strand). Cytogenetic location: 2p23.2.
Variant type: single nucleotide variant.
Coding change: c.2579G>A on transcript NM_004304.5 (MANE Select); coding-DNA position 2579, G replaced by A.
Protein change: p.Arg860Lys; replaces arginine 860 with lysine.
Molecular consequence: missense variant.
Genome position (GRCh38, 1-based): chr2:29,232,357, C>T on the plus strand (G>A on the coding strand, the complement: ALK is on the minus strand). VCF-style: chr2-29232357-C-T. GRCh37 (hg19) VCF-style: chr2-29455223-C-T.
Other names: short protein forms R860K.
Identifiers: ClinVar variation 641179 (VCV000641179.8), dbSNP rs1194282326, ClinGen allele CA346471746.